The following is an entry in ClinVar:

NM_015072.5(TTLL5):c.3812C>A (p.Thr1271Asn)

Gene: TTLL5 (tubulin tyrosine ligase like 5; plus strand). Cytogenetic location: 14q24.3.
Variant type: single nucleotide variant.
Coding change: c.3812C>A on transcript NM_015072.5 (MANE Select); coding-DNA position 3812, C replaced by A.
Protein change: p.Thr1271Asn; replaces threonine 1271 with asparagine.
Molecular consequence: missense variant.
Genome position (GRCh38, 1-based): chr14:75,902,213, C>A. VCF-style: chr14-75902213-C-A. GRCh37 (hg19) VCF-style: chr14-76368556-C-A.
Other names: short protein forms T1271N.
Identifiers: ClinVar variation 1417151 (VCV001417151.8), dbSNP rs1566652888, ClinGen allele CA390538746.
Genomic context (GRCh38, chr14:75,902,213, plus strand): 5'-CGGAAGGGCAGCTGAATGGACTCCAGAGCAGCCTTAACCCTGCAGCCTTTGTGCCCATCA[C>A]CAGCTCTACAGGTTAGTGGGCACCAGCTCTTCTGCAACTGGATAGATGACAGGGAAGGTG-3'
Protein context (NP_055887.3, residues 1261-1281): SLNPAAFVPI[Thr1271Asn]SSTDPAHTKI

ClinVar aggregate classification (germline): Uncertain significance (1 of 4 stars; one submission).

Submission:

Labcorp Genetics (formerly Invitae), Labcorp
Classification: Uncertain significance. Last evaluated: 2021-05-17. Review status: criteria provided, single submitter. Criteria: Invitae Variant Classification Sherloc (09022015). Collection method: clinical testing. Allele origin: germline.
Comment: In summary, the available evidence is currently insufficient to determine the role of this variant in disease. Therefore, it has been classified as a Variant of Uncertain Significance. Algorithms developed to predict the effect of missense changes on protein structure and function (SIFT, PolyPhen-2, Align-GVGD) all suggest that this variant is likely to be tolerated, but these predictions have not been confirmed by published functional studies and their clinical significance is uncertain. This variant has not been reported in the literature in individuals with TTLL5-related conditions. This variant is not present in population databases (ExAC no frequency). This sequence change replaces threonine with asparagine at codon 1271 of the TTLL5 protein (p.Thr1271Asn). The threonine residue is weakly conserved and there is a small physicochemical difference between threonine and asparagine.